The following is an entry in ClinVar:

NM_020774.4(MIB1):c.2482_2483insTTCCGAG (p.Asp828fs)

Gene: MIB1 (MIB E3 ubiquitin protein ligase 1; plus strand). Cytogenetic location: 18q11.2.
Variant type: Insertion.
Coding change: c.2482_2483insTTCCGAG on transcript NM_020774.4 (MANE Select); coding-DNA positions 2482 to 2483, TTCCGAG inserted.
Protein change: p.Asp828fs; shifts the reading frame from aspartic acid 828.
Molecular consequence: frameshift variant.
Genome position: GRCh38 VCF-style: chr18-21849281-A-AGAGTTCC. GRCh37 (hg19) VCF-style: chr18-19429242-A-AGAGTTCC.
Other names: short protein forms D828fs.
Identifiers: ClinVar variation 4850733 (VCV004850733.1).

ClinVar aggregate classification (germline): Likely pathogenic (1 of 4 stars; one submission).

Conditions:
Left ventricular noncompaction 7 (LVNC7). Identifiers: Orphanet 54260, MedGen C3554496, MONDO:0014042, OMIM 615092.

Submission:

Variantyx, Inc.
Classification: Likely pathogenic for Left ventricular noncompaction 7. Last evaluated: 2025-12-03. Review status: criteria provided, single submitter. Criteria: Variantyx Assertion Criteria 2022. Collection method: clinical testing. Allele origin: germline. Inheritance: Autosomal dominant inheritance. Affected: yes.
Comment: This is a frameshift variant in the MIB1 gene (OMIM: 608677). Pathogenic variants in this gene have been associated with autosomal dominant left ventricular noncompaction 7. This variant introduces a premature termination codon in exon 17 out of 21 and is expected to result in loss of function, which is a known disease mechanism for MIB1 in this disorder (PMID: 23314057, 34564127) (PVS1). This variant is absent from control populations (PM2) and it has not been reported in individuals with MIB1-related disorders in the databases available for review. Based on the current evidence, this variant is classified as likely pathogenic for autosomal dominant left ventricular noncompaction 7.

Literature cited by the submitters: PubMed 23314057; PubMed 34564127.